The following is an entry in ClinVar:

NM_001363711.2(DUOX2):c.343G>T (p.Asp115Tyr)

Gene: DUOX2 (dual oxidase 2; minus strand). Cytogenetic location: 15q21.1.
Variant type: single nucleotide variant.
Coding change: c.343G>T on transcript NM_001363711.2 (MANE Select); coding-DNA position 343, G replaced by T.
Protein change: p.Asp115Tyr; replaces aspartic acid 115 with tyrosine.
Molecular consequence: missense variant.
Genome position (GRCh38, 1-based): chr15:45,111,938, C>A on the plus strand (G>T on the coding strand, the complement: DUOX2 is on the minus strand). VCF-style: chr15-45111938-C-A. GRCh37 (hg19) VCF-style: chr15-45404136-C-A.
Other names: c.343G>T, p.Asp115Tyr (NM_014080.5); short protein forms D115Y.
Identifiers: ClinVar variation 2070194 (VCV002070194.1), dbSNP rs1894436370, ClinGen allele CA392279505.

ClinVar aggregate classification (germline): Uncertain significance (1 of 4 stars; one submission).

Submission:

Labcorp Genetics (formerly Invitae), Labcorp
Classification: Uncertain significance. Last evaluated: 2021-12-24. Review status: criteria provided, single submitter. Criteria: Invitae Variant Classification Sherloc (09022015). Collection method: clinical testing. Allele origin: germline.
Comment: This sequence change replaces aspartic acid, which is acidic and polar, with tyrosine, which is neutral and polar, at codon 115 of the DUOX2 protein (p.Asp115Tyr). This variant is not present in population databases (gnomAD no frequency). This missense change has been observed in individual(s) with hypothyroidism (PMID: 26742565, 28648510). Advanced modeling of protein sequence and biophysical properties (such as structural, functional, and spatial information, amino acid conservation, physicochemical variation, residue mobility, and thermodynamic stability) performed at Invitae indicates that this missense variant is not expected to disrupt DUOX2 protein function. In summary, the available evidence is currently insufficient to determine the role of this variant in disease. Therefore, it has been classified as a Variant of Uncertain Significance.

Literature cited by the submitters: PubMed 26742565; PubMed 28648510.